The following is an entry in ClinVar:

ClinVar aggregate classification (germline): Likely benign (1 of 4 stars; one submission).

Conditions:
TMEM67-related disorder. Also called: TMEM67-related disorders; TMEM67-related condition. Identifiers: MedGen CN239423.

Submission:

PreventionGenetics, part of Exact Sciences
Classification: Likely benign for TMEM67-related condition. Last evaluated: 2026-05-26. Review status: criteria provided, single submitter. Criteria: ACMG Guidelines, 2015. Collection method: clinical testing. Allele origin: germline.
Comment: This variant is classified as likely benign based on ACMG/AMP sequence variant interpretation guidelines (Richards et al. 2015 PMID: 25741868, with internal and published modifications).

NM_153704.6(TMEM67):c.1368A>G (p.Gly456=)

Gene: TMEM67 (transmembrane protein 67; plus strand). Cytogenetic location: 8q22.1.
Variant type: single nucleotide variant.
Coding change: c.1368A>G on transcript NM_153704.6 (MANE Select); coding-DNA position 1368, A replaced by G.
Protein change: p.Gly456=; no amino-acid change (glycine 456 retained).
Molecular consequence: synonymous variant. On other transcripts: non-coding transcript variant (1).
Genome position (GRCh38, 1-based): chr8:93,786,302, A>G. VCF-style: chr8-93786302-A-G. GRCh37 (hg19) VCF-style: chr8-94798530-A-G.
Other names: c.1125A>G, p.Gly375= (NM_001142301.1).
Identifiers: ClinVar variation 4996628 (VCV004996628.1).
Genomic context (GRCh38, chr8:93,786,302, plus strand): 5'-GCTTCTAACTCGGCGCATTTTCTTAGTGGATGCAGTAAGTGGACGAGAAAATGACTTAGG[A>G]ACTCAGCCAAGAGTAATTCGAGTTGCTACTCAAATATCACTGAGGTAAACAAATGTCTAA-3'
Protein context (NP_714915.3, residues 446-466): DAVSGRENDL[Gly456=]TQPRVIRVAT